The following is an entry in ClinVar:

ClinVar aggregate classification (germline): Uncertain significance. Review status: criteria provided, multiple submitters, no conflicts (2 of 4 stars). 3 submissions from 3 submitters: Uncertain significance (3). Last evaluated 2024-02-05.

Conditions:
Encephalopathy, acute, infection-induced (herpes-specific), susceptibility to, 1. Also called: Herpes simplex encephalitis, susceptibility to, 1. Identifiers: Orphanet 1930, MedGen C2750180, MONDO:0024563, OMIM 610551.

Allele frequency attached by ClinVar (database versions not stated): TOPMed below 0.00001; gnomAD 0.00002; ESP Exome Variant Server 0.00008.
gnomAD v4.1: 63 of 1,614,028 alleles (0.0039%); highest among the groups gnomAD compares: Non-Finnish European, 0.0053%; no homozygotes.

Submissions (3):

Blueprint Genetics
Classification: Uncertain significance. Last evaluated: 2024-02-05. Review status: criteria provided, single submitter. Criteria: ACMG Guidelines, 2015. Collection method: clinical testing. Allele origin: germline.

Labcorp Genetics (formerly Invitae), Labcorp
Classification: Uncertain significance for Encephalopathy, acute, infection-induced (herpes-specific), susceptibility to, 1. Last evaluated: 2023-06-04. Review status: criteria provided, single submitter. Criteria: Invitae Variant Classification Sherloc (09022015). Collection method: clinical testing. Allele origin: germline.
Comment: ClinVar contains an entry for this variant (Variation ID: 2406619). This variant has not been reported in the literature in individuals affected with TLR3-related conditions. This variant is present in population databases (rs146846379, gnomAD 0.002%). This sequence change replaces cysteine, which is neutral and slightly polar, with serine, which is neutral and polar, at codon 875 of the TLR3 protein (p.Cys875Ser). An algorithm developed to predict the effect of missense changes on protein structure and function (PolyPhen-2) suggests that this variant is likely to be disruptive. In summary, the available evidence is currently insufficient to determine the role of this variant in disease. Therefore, it has been classified as a Variant of Uncertain Significance.

Ambry Genetics
Classification: Uncertain significance. Last evaluated: 2022-07-11. Review status: criteria provided, single submitter. Criteria: Ambry Variant Classification Scheme 2023. Collection method: clinical testing. Allele origin: germline.

NM_003265.3(TLR3):c.2623T>A (p.Cys875Ser)

Gene: TLR3 (toll like receptor 3; plus strand). Cytogenetic location: 4q35.1.
Variant type: single nucleotide variant.
Coding change: c.2623T>A on transcript NM_003265.3 (MANE Select); coding-DNA position 2623, T replaced by A.
Protein change: p.Cys875Ser; replaces cysteine 875 with serine.
Molecular consequence: missense variant.
Genome position (GRCh38, 1-based): chr4:186,084,781, T>A. VCF-style: chr4-186084781-T-A. GRCh37 (hg19) VCF-style: chr4-187005935-T-A.
Other names: short protein forms C875S.
Identifiers: ClinVar variation 2406619 (VCV002406619.6), dbSNP rs146846379, ClinGen allele CA112099903.